The following is an entry in ClinVar:

ClinVar aggregate classification (germline): Uncertain significance (1 of 4 stars; one submission).

gnomAD v4.1: 1 of 1,209,237 alleles (0.000083%); highest among the groups gnomAD compares: Admixed American, 0.0022%; no homozygotes.

Submission:

GeneDx
Classification: Uncertain significance. Last evaluated: 2025-01-19. Review status: criteria provided, single submitter. Criteria: GeneDx Variant Classification Process June 2021. Collection method: clinical testing. Allele origin: germline. Affected: yes.
Comment: Not observed at significant frequency in large population cohorts (gnomAD); In silico analysis supports that this missense variant has a deleterious effect on protein structure/function; Has not been previously published as pathogenic or benign to our knowledge

NM_018486.3(HDAC8):c.971G>A (p.Gly324Glu)

Gene: HDAC8 (histone deacetylase 8; minus strand). Cytogenetic location: Xq13.1.
Variant type: single nucleotide variant.
Coding change: c.971G>A on transcript NM_018486.3 (MANE Select); coding-DNA position 971, G replaced by A.
Protein change: p.Gly324Glu; replaces glycine 324 with glutamic acid.
Molecular consequence: missense variant. On other transcripts: 3 prime UTR variant (1), non-coding transcript variant (1).
Genome position (GRCh38, 1-based): chrX:72,462,038, C>T on the plus strand (G>A on the coding strand, the complement: HDAC8 is on the minus strand). VCF-style: chrX-72462038-C-T. GRCh37 (hg19) VCF-style: chrX-71681888-C-T.
Other names: c.698G>A, p.Gly233Glu (NM_001166418.2, NM_001410728.1); c.971G>A, p.Gly324Glu (NM_001410725.1); c.893G>A, p.Gly298Glu (NM_001410727.1); c.*51G>A (NM_001410729.1); short protein forms G233E, G298E, G324E.
Identifiers: ClinVar variation 4070870 (VCV004070870.1).